The following is an entry in ClinVar:

NM_173477.5(USH1G):c.1137A>C (p.Leu379Phe)

Gene: USH1G (USH1 protein network component sans; minus strand). Cytogenetic location: 17q25.1.
Variant type: single nucleotide variant.
Coding change: c.1137A>C on transcript NM_173477.5 (MANE Select); coding-DNA position 1137, A replaced by C.
Protein change: p.Leu379Phe; replaces leucine 379 with phenylalanine.
Molecular consequence: missense variant.
Genome position (GRCh38, 1-based): chr17:74,919,699, T>G on the plus strand (A>C on the coding strand, the complement: USH1G is on the minus strand). VCF-style: chr17-74919699-T-G. GRCh37 (hg19) VCF-style: chr17-72915794-T-G.
Other names: c.828A>C, p.Leu276Phe (NM_001282489.3); short protein forms L276F, L379F.
Identifiers: ClinVar variation 805738 (VCV000805738.10), dbSNP rs1292979261, ClinGen allele CA400961599.

ClinVar aggregate classification (germline): Uncertain significance. Review status: criteria provided, multiple submitters, no conflicts (2 of 4 stars). 3 submissions from 3 submitters: Uncertain significance (3). Last evaluated 2024-01-15.

Allele frequency attached by ClinVar (database versions not stated): gnomAD exomes below 0.00001.
gnomAD v4.1: 6 of 1,612,834 alleles (0.00037%); highest among the groups gnomAD compares: Non-Finnish European, 0.00051%; no homozygotes.

Submissions (3):

Blueprint Genetics
Classification: Uncertain significance. Last evaluated: 2024-01-15. Review status: criteria provided, single submitter. Criteria: ACMG Guidelines, 2015. Collection method: clinical testing. Allele origin: germline.

Labcorp Genetics (formerly Invitae), Labcorp
Classification: Uncertain significance. Last evaluated: 2022-08-22. Review status: criteria provided, single submitter. Criteria: Invitae Variant Classification Sherloc (09022015). Collection method: clinical testing. Allele origin: germline.
Comment: In summary, the available evidence is currently insufficient to determine the role of this variant in disease. Therefore, it has been classified as a Variant of Uncertain Significance. Algorithms developed to predict the effect of missense changes on protein structure and function are either unavailable or do not agree on the potential impact of this missense change (SIFT: "Not Available"; PolyPhen-2: "Possibly Damaging"; Align-GVGD: "Not Available"). ClinVar contains an entry for this variant (Variation ID: 805738). This variant has not been reported in the literature in individuals affected with USH1G-related conditions. This variant is present in population databases (no rsID available, gnomAD 0.0009%). This sequence change replaces leucine, which is neutral and non-polar, with phenylalanine, which is neutral and non-polar, at codon 379 of the USH1G protein (p.Leu379Phe).

Athena Diagnostics
Classification: Uncertain significance. Last evaluated: 2018-11-16. Review status: criteria provided, single submitter. Criteria: Athena Diagnostics Criteria. Collection method: clinical testing. Allele origin: germline.